The following is an entry in ClinVar:

ClinVar aggregate classification (germline): Pathogenic/Likely pathogenic. Review status: criteria provided, multiple submitters, no conflicts (2 of 4 stars). 5 submissions from 5 submitters: Pathogenic (3); Likely pathogenic (2). Last evaluated 2026-01-22.

Conditions:
Bethlem myopathy 1A. Also called: MYOPATHY, BENIGN CONGENITAL, WITH CONTRACTURES; Bethlem myopathy 1; Bethlem Muscular Dystrophy. Identifiers: Orphanet 610, MedGen CN029274, MONDO:0024530, OMIM 158810.
COL6A1-related disorder. Also called: COL6A1-related condition.

Submissions (5):

3billion
Classification: Pathogenic for COL6A1-related disorder. Last evaluated: 2026-01-22. Review status: criteria provided, single submitter. Criteria: ACMG Guidelines, 2015. Collection method: clinical testing. Allele origin: germline. Affected: yes.
Comment: The variant is not observed in the gnomAD v4.1.0 dataset. Predicted Consequence/Location: Missense variant In silico tool predictions suggest damaging effect of the variant on gene or gene product [REVEL: 0.98 (>=0.6, sensitivity 0.68 and specificity 0.92); 3Cnet: 0.99 (> 0.75, sensitivity 0.96 and precision 0.92)]. The same nucleotide change resulting in the same amino acid change has been previously reported as pathogenic/likely pathogenic with strong evidence (ClinVar ID: VCV000287445 /PMID: 24271325). The variant has been previously reported as assumed (i.e. paternity and maternity not confirmed) de novo in at least one similarly affected unrelated individual (PMID: 24271325). Different missense changes at the same codon (p.Gly302Glu, p.Gly302Val) have been reported as pathogenic/likely pathogenic with strong evidence (ClinVar ID: VCV000542988, VCV001338396 /PMID: 32528171). Therefore, this variant is classified as Pathogenic according to the recommendation of ACMG/AMP guideline.

Labcorp Genetics (formerly Invitae), Labcorp
Classification: Pathogenic for Bethlem myopathy 1A. Last evaluated: 2025-02-04. Review status: criteria provided, single submitter. Criteria: Invitae Variant Classification Sherloc (09022015). Collection method: clinical testing. Allele origin: germline.
Comment: This sequence change replaces glycine, which is neutral and non-polar, with arginine, which is basic and polar, at codon 302 of the COL6A1 protein (p.Gly302Arg). This variant is not present in population databases (gnomAD no frequency). This missense change has been observed in individual(s) with autosomal dominant Ullrich congenital muscular dystrophy (PMID: 24271325). In at least one individual the variant was observed to be de novo. ClinVar contains an entry for this variant (Variation ID: 287445). Experimental studies and prediction algorithms are not available or were not evaluated, and the functional significance of this variant is currently unknown. This variant disrupts the triple helix domain of COL6A1. Glycine residues within the Gly-Xaa-Yaa repeats of the triple helix domain are required for the structure and stability of fibrillar collagens (PMID: 7695699, 8218237, 19344236). In COL6A1, variants at these glycine residues are significantly enriched in individuals with autosomal dominant disease (PMID: 15689448, 24038877) compared to the general population (ExAC). For these reasons, this variant has been classified as Pathogenic.

Blueprint Genetics
Classification: Likely pathogenic for COL6A1-related disorders. Last evaluated: 2021-03-29. Review status: criteria provided, single submitter. Criteria: ACMG Guidelines, 2015. Collection method: clinical testing. Allele origin: germline. Affected: yes. Observed: 1 variant allele.

GeneDx
Classification: Likely pathogenic. Last evaluated: 2017-04-18. Review status: criteria provided, single submitter. Criteria: GeneDx Variant Classification (06012015). Collection method: clinical testing. Allele origin: germline. Affected: yes.
Comment: The c.904 G>A variant was first reported as a de novo variant in an individual with UCMD (Foley et al., 2013). This variant was subsequently identified in another individual with UCMD, however, functional analysis was not completed (Park et al., 2014). The c.904 G>A variant is not observed in large population cohorts (Lek et al., 2016; 1000 Genomes Consortium et al., 2015; Exome Variant Server). Multiple in-silico splice prediction models predict c.904 G>A may damage the natural splice acceptor site and lead to abnormal gene splicing. However, in the absence of RNA/functional studies, the actual effect of this sequence change in this individual is unknown. If c.904 G>A does not alter splicing, it will result in the G302R missense change. The G302R variant is a non-conservative amino acid substitution, which is likely to impact secondary protein structure as these residues differ in polarity, charge, size and/or other properties. This substitution occurs at a position that is conserved across species, and missense variants in nearby residues (G299R/E; G305V) have been reported in the Human Gene Mutation Database in association with COL6A1-related disorders (Stenson et al., 2014). Additionally, in silico analysis predicts this variant is probably damaging to the protein structure/function.

Eurofins Ntd Llc (ga)
Classification: Pathogenic. Last evaluated: 2016-04-14. Review status: criteria provided, single submitter. Criteria: EGL Classification Definitions 2015. Collection method: clinical testing. Allele origin: germline. Observed: 1 variant allele, 1 heterozygote.

Literature cited by the submitters: PubMed 32528171 (cited by 3billion); PubMed 24271325 (cited by 3billion and Labcorp Genetics (formerly Invitae), Labcorp); PubMed 7695699 (cited by Labcorp Genetics (formerly Invitae), Labcorp); PubMed 8218237 (cited by Labcorp Genetics (formerly Invitae), Labcorp); PubMed 19344236 (cited by Labcorp Genetics (formerly Invitae), Labcorp); PubMed 15689448 (cited by Labcorp Genetics (formerly Invitae), Labcorp); PubMed 24038877 (cited by Labcorp Genetics (formerly Invitae), Labcorp).

NM_001848.3(COL6A1):c.904G>A (p.Gly302Arg)

Gene: COL6A1 (collagen type VI alpha 1 chain; plus strand). Cytogenetic location: 21q22.3.
Variant type: single nucleotide variant.
Coding change: c.904G>A on transcript NM_001848.3 (MANE Select); coding-DNA position 904, G replaced by A.
Protein change: p.Gly302Arg; replaces glycine 302 with arginine.
Molecular consequence: missense variant.
Genome position (GRCh38, 1-based): chr21:45,989,752, G>A. VCF-style: chr21-45989752-G-A. GRCh37 (hg19) VCF-style: chr21-47409666-G-A.
Other names: short protein forms G302R.
Identifiers: ClinVar variation 287445 (VCV000287445.10), dbSNP rs794727028, ClinGen allele CA10605766.